The following is an entry in ClinVar:

ClinVar aggregate classification (germline): Uncertain significance. Review status: criteria provided, multiple submitters, no conflicts (2 of 4 stars). 2 submissions from 2 submitters: Uncertain significance (2). Last evaluated 2025-10-08.

Allele frequency attached by ClinVar (database versions not stated): gnomAD exomes below 0.00001; TOPMed 0.00001.
gnomAD v4.1: 2 of 1,609,242 alleles (0.00012%); highest among the groups gnomAD compares: Non-Finnish European, 0.00017%; no homozygotes.

Submissions (2):

Ambry Genetics
Classification: Uncertain significance. Last evaluated: 2025-10-08. Review status: criteria provided, single submitter. Criteria: Ambry Variant Classification Scheme 2023. Collection method: clinical testing. Allele origin: germline.
Comment: The p.N296S variant (also known as c.887A>G), located in coding exon 7 of the RECQL gene, results from an A to G substitution at nucleotide position 887. The asparagine at codon 296 is replaced by serine, an amino acid with highly similar properties. This amino acid position is not well conserved in available vertebrate species. In addition, this alteration is predicted to be tolerated by in silico analysis. Since supporting evidence is limited at this time, the clinical significance of this alteration remains unclear.

Labcorp Genetics (formerly Invitae), Labcorp
Classification: Uncertain significance. Last evaluated: 2021-08-19. Review status: criteria provided, single submitter. Criteria: Invitae Variant Classification Sherloc (09022015). Collection method: clinical testing. Allele origin: germline.
Comment: Algorithms developed to predict the effect of missense changes on protein structure and function output the following: SIFT: "Tolerated"; PolyPhen-2: "Benign"; Align-GVGD: "Class C0". The serine amino acid residue is found in multiple mammalian species, which suggests that this missense change does not adversely affect protein function. In summary, the available evidence is currently insufficient to determine the role of this variant in disease. Therefore, it has been classified as a Variant of Uncertain Significance. This variant has not been reported in the literature in individuals affected with RECQL-related conditions. This variant is not present in population databases (ExAC no frequency). This sequence change replaces asparagine with serine at codon 296 of the RECQL protein (p.Asn296Ser). The asparagine residue is moderately conserved and there is a small physicochemical difference between asparagine and serine.

NM_002907.4(RECQL):c.887A>G (p.Asn296Ser)

Gene: RECQL (RecQ like helicase; minus strand). Cytogenetic location: 12p12.1.
Variant type: single nucleotide variant.
Coding change: c.887A>G on transcript NM_002907.4 (MANE Select); coding-DNA position 887, A replaced by G.
Protein change: p.Asn296Ser; replaces asparagine 296 with serine.
Molecular consequence: missense variant.
Genome position (GRCh38, 1-based): chr12:21,476,973, T>C on the plus strand (A>G on the coding strand, the complement: RECQL is on the minus strand). VCF-style: chr12-21476973-T-C. GRCh37 (hg19) VCF-style: chr12-21629907-T-C.
Other names: c.887A>G, p.Asn296Ser (NM_032941.3); short protein forms N296S.
Identifiers: ClinVar variation 1380641 (VCV001380641.9), dbSNP rs1478687167, ClinGen allele CA384123103.